The following is an entry in ClinVar:

NM_173728.4(ARHGEF15):c.1914G>T (p.Gln638His)

Gene: ARHGEF15 (Rho guanine nucleotide exchange factor 15; plus strand). Cytogenetic location: 17p13.1.
Variant type: single nucleotide variant.
Coding change: c.1914G>T on transcript NM_173728.4 (MANE Select); coding-DNA position 1914, G replaced by T.
Protein change: p.Gln638His; replaces glutamine 638 with histidine.
Molecular consequence: missense variant.
Genome position (GRCh38, 1-based): chr17:8,318,791, G>T. VCF-style: chr17-8318791-G-T. GRCh37 (hg19) VCF-style: chr17-8222109-G-T.
Other names: c.1914G>T, p.Gln638His (NM_025014.2); short protein forms Q638H.
Identifiers: ClinVar variation 1392705 (VCV001392705.7), dbSNP rs2151643653, ClinGen allele CA398023487.

ClinVar aggregate classification (germline): Uncertain significance (1 of 4 stars; one submission).

Conditions:
Early-infantile DEE. Also called: Early infantile epileptic encephalopathy; Ohtahara syndrome; Early infantile epileptic encephalopathy with suppression bursts. Identifiers: Orphanet 1934, MedGen C0393706, MONDO:0800491.

Submission:

Labcorp Genetics (formerly Invitae), Labcorp
Classification: Uncertain significance for Early-infantile DEE. Last evaluated: 2023-11-28. Review status: criteria provided, single submitter. Criteria: Invitae Variant Classification Sherloc (09022015). Collection method: clinical testing. Allele origin: germline.
Comment: This sequence change replaces glutamine, which is neutral and polar, with histidine, which is basic and polar, at codon 638 of the ARHGEF15 protein (p.Gln638His). This variant is not present in population databases (gnomAD no frequency). This variant has not been reported in the literature in individuals affected with ARHGEF15-related conditions. ClinVar contains an entry for this variant (Variation ID: 1392705). An algorithm developed to predict the effect of missense changes on protein structure and function (PolyPhen-2) suggests that this variant is likely to be tolerated. In summary, the available evidence is currently insufficient to determine the role of this variant in disease. Therefore, it has been classified as a Variant of Uncertain Significance.